The following is an entry in ClinVar:

NM_024757.5(EHMT1):c.1729G>T (p.Asp577Tyr)

Gene: EHMT1 (euchromatic histone lysine methyltransferase 1; plus strand). Cytogenetic location: 9q34.3.
Variant type: single nucleotide variant.
Coding change: c.1729G>T on transcript NM_024757.5 (MANE Select); coding-DNA position 1729, G replaced by T.
Protein change: p.Asp577Tyr; replaces aspartic acid 577 with tyrosine.
Molecular consequence: missense variant.
Genome position (GRCh38, 1-based): chr9:137,775,190, G>T. VCF-style: chr9-137775190-G-T. GRCh37 (hg19) VCF-style: chr9-140669642-G-T.
Other names: c.1729G>T (NM_024757.4); c.1729G>T, p.Asp577Tyr (NM_001145527.2); c.1636G>T, p.Asp546Tyr (NM_001354259.2); c.1708G>T, p.Asp570Tyr (NM_001354263.2); short protein forms D546Y, D570Y, D577Y.
Identifiers: ClinVar variation 1015103 (VCV001015103.11), dbSNP rs1950869646, ClinGen allele CA375773846.

ClinVar aggregate classification (germline): Uncertain significance. Review status: criteria provided, multiple submitters, no conflicts (2 of 4 stars). 2 submissions from 2 submitters: Uncertain significance (2). Last evaluated 2025-09-16.

Conditions:
Kleefstra syndrome 1 (KLEFS1). Identifiers: Orphanet 261494, MedGen C0795833, MONDO:0027407, OMIM 610253.
EHMT1-related disorder. Also called: EHMT1-related condition.

Allele frequency attached by ClinVar (database versions not stated): gnomAD exomes below 0.00001.
gnomAD v4.1: 2 of 1,613,762 alleles (0.00012%); highest among the groups gnomAD compares: Non-Finnish European, 0.00017%; no homozygotes.

Submissions (2):

PreventionGenetics, part of Exact Sciences
Classification: Uncertain significance for EHMT1-related condition. Last evaluated: 2025-09-16. Review status: criteria provided, single submitter. Criteria: ACMG Guidelines, 2015. Collection method: clinical testing. Allele origin: germline.
Comment: The EHMT1 c.1729G>T variant is predicted to result in the amino acid substitution p.Asp577Tyr. To our knowledge, this variant has not been reported in the literature or in a large population database (gnomAD), indicating this variant is rare. At this time, the clinical significance of this variant is uncertain due to the absence of conclusive functional and genetic evidence.

Labcorp Genetics (formerly Invitae), Labcorp
Classification: Uncertain significance for Kleefstra syndrome 1. Last evaluated: 2018-06-07. Review status: criteria provided, single submitter. Criteria: Invitae Variant Classification Sherloc (09022015). Collection method: clinical testing. Allele origin: germline.
Comment: In summary, the available evidence is currently insufficient to determine the role of this variant in disease. Therefore, it has been classified as a Variant of Uncertain Significance. Algorithms developed to predict the effect of missense changes on protein structure and function are either unavailable or do not agree on the potential impact of this missense change (SIFT: "Deleterious"; PolyPhen-2: "Probably Damaging"; Align-GVGD: "Class C0"). This variant has not been reported in the literature in individuals with EHMT1-related disease. This variant is not present in population databases (ExAC no frequency). This sequence change replaces aspartic acid with tyrosine at codon 577 of the EHMT1 protein (p.Asp577Tyr). The aspartic acid residue is highly conserved and there is a large physicochemical difference between aspartic acid and tyrosine.